The following is an entry in ClinVar:

ClinVar aggregate classification (germline): Pathogenic (1 of 4 stars; one submission).

Conditions:
Nephronophthisis 9 (NPHP9). Identifiers: Orphanet 655, MedGen C3151188, MONDO:0013444, OMIM 613824.

Submission:

Labcorp Genetics (formerly Invitae), Labcorp
Classification: Pathogenic for Nephronophthisis 9. Last evaluated: 2025-06-15. Review status: criteria provided, single submitter. Criteria: Invitae Variant Classification Sherloc (09022015). Collection method: clinical testing. Allele origin: germline.
Comment: This sequence change creates a premature translational stop signal (p.Cys295Glufs*8) in the NEK8 gene. It is expected to result in an absent or disrupted protein product. Loss-of-function variants in NEK8 are known to be pathogenic (PMID: 23418306, 26967905). This variant is not present in population databases (gnomAD no frequency). This variant has not been reported in the literature in individuals affected with NEK8-related conditions. ClinVar contains an entry for this variant (Variation ID: 1426313). For these reasons, this variant has been classified as Pathogenic.

Literature cited by the submitters: PubMed 23418306; PubMed 26967905.

NM_178170.3(NEK8):c.882_885del (p.Cys295fs)

Gene: NEK8 (NIMA related kinase 8; plus strand). Cytogenetic location: 17q11.2.
Variant type: Deletion.
Coding change: c.882_885del on transcript NM_178170.3 (MANE Select); coding-DNA positions 882 to 885, 4 bases deleted (CTGC; older notation c.882_885delCTGC).
Protein change: p.Cys295fs; shifts the reading frame from cysteine 295.
Molecular consequence: frameshift variant.
Genome position (GRCh38, 1-based): chr17:28,737,729-28,737,732, CTGC deleted. VCF-style (leftmost placement, unchanged base first): chr17-28737728-GCTGC-G. GRCh37 (hg19) VCF-style: chr17-27064746-GCTGC-G.
Other names: short protein forms C295fs.
Identifiers: ClinVar variation 1426313 (VCV001426313.6), dbSNP rs2151732872, ClinGen allele CA2573153473.